The following is an entry in ClinVar:

NM_181882.3(PRX):c.3275del (p.Val1092fs)

Gene: PRX (periaxin; minus strand). Cytogenetic location: 19q13.2.
Variant type: Deletion.
Coding change: c.3275del on transcript NM_181882.3 (MANE Select); coding-DNA position 3275, one base deleted (T; older notation c.3275delT).
Protein change: p.Val1092fs; shifts the reading frame from valine 1092.
Molecular consequence: frameshift variant. On other transcripts: 3 prime UTR variant (1).
Genome position (GRCh38, 1-based): chr19:40,395,077, A deleted on the plus strand (T on the coding strand, the reverse complement: PRX is on the minus strand). VCF-style (leftmost placement, unchanged base first): chr19-40395076-CA-C. GRCh37 (hg19) VCF-style: chr19-40900983-CA-C.
Other names: c.3560del, p.Val1187fs (NM_001411127.1); c.*3480del (NM_020956.2); short protein forms V1187fs, V1092fs.
Identifiers: ClinVar variation 2803049 (VCV002803049.3), dbSNP rs2514800557, ClinGen allele CA2576785593.

ClinVar aggregate classification (germline): Pathogenic (1 of 4 stars; one submission).

Conditions:
Charcot-Marie-Tooth disease type 4. Also called: Charcot-Marie-Tooth disease, type IV; Charcot-Marie-Tooth, Type 4. Identifiers: Orphanet 64749, MedGen C4082197, MONDO:0018995.

Allele frequency attached by ClinVar (database versions not stated): gnomAD exomes below 0.00001.

Submission:

Labcorp Genetics (formerly Invitae), Labcorp
Classification: Pathogenic for Charcot-Marie-Tooth disease type 4. Last evaluated: 2023-10-05. Review status: criteria provided, single submitter. Criteria: Invitae Variant Classification Sherloc (09022015). Collection method: clinical testing. Allele origin: germline.
Comment: This sequence change creates a premature translational stop signal (p.Val1092Glyfs*35) in the PRX gene. While this is not anticipated to result in nonsense mediated decay, it is expected to disrupt the last 370 amino acid(s) of the PRX protein. This variant is not present in population databases (gnomAD no frequency). This variant has not been reported in the literature in individuals affected with PRX-related conditions. This variant disrupts a region of the PRX protein in which other variant(s) ( p.Gln1169*) have been determined to be pathogenic (PMID: 21840889, 24078732, 29858556). This suggests that this is a clinically significant region of the protein, and that variants that disrupt it are likely to be disease-causing. For these reasons, this variant has been classified as Pathogenic.

Literature cited by the submitters: PubMed 21840889; PubMed 24078732; PubMed 29858556.